The following is an entry in ClinVar:

NM_024570.4(RNASEH2B):c.41G>A (p.Arg14Gln)

Genes: RNASEH2B (ribonuclease H2 subunit B; plus strand), RNASEH2B-AS1 (RNASEH2B antisense RNA 1; minus strand), LOC130009810 (ATAC-STARR-seq lymphoblastoid silent region 5362; plus strand). Cytogenetic location: 13q14.3.
Variant type: single nucleotide variant.
Coding change: c.41G>A on transcript NM_024570.4 (MANE Select); coding-DNA position 41, G replaced by A.
Protein change: p.Arg14Gln; replaces arginine 14 with glutamine.
Molecular consequence: missense variant.
Genome position (GRCh38, 1-based): chr13:50,910,117, G>A. VCF-style: chr13-50910117-G-A. GRCh37 (hg19) VCF-style: chr13-51484253-G-A.
Other names: c.41G>A, p.Arg14Gln (NM_001142279.2); short protein forms R14Q.
Identifiers: ClinVar variation 952190 (VCV000952190.24), dbSNP rs988134864, ClinGen allele CA249994611.

ClinVar aggregate classification (germline): Uncertain significance. Review status: criteria provided, multiple submitters, no conflicts (2 of 4 stars). 4 submissions from 4 submitters: Uncertain significance (4). Last evaluated 2025-02-10.

Conditions:
Inborn genetic diseases. Identifiers: MedGen C0950123, MeSH D030342.
Aicardi-Goutieres syndrome 2. Identifiers: Orphanet 51, MedGen C3489724, MONDO:0012429, OMIM 610181.

Allele frequency attached by ClinVar (database versions not stated): gnomAD exomes 0.00006; gnomAD 0.00010 and 0.00011; TOPMed 0.00010.

Submissions (4):

Women's Health and Genetics/Laboratory Corporation of America, LabCorp
Classification: Uncertain significance. Last evaluated: 2025-02-10. Review status: criteria provided, single submitter. Criteria: LabCorp Variant Classification Summary - May 2015. Collection method: clinical testing. Allele origin: germline.
Comment: Variant summary: RNASEH2B c.41G>A (p.Arg14Gln) results in a conservative amino acid change in the encoded protein sequence. Five of five in-silico tools predict a benign effect of the variant on protein function. The variant allele was found at a frequency of 5.8e-05 in 68718 control chromosomes. The available data on variant occurrences in the general population are insufficient to allow any conclusion about variant significance. To our knowledge, no occurrence of c.41G>A in individuals affected with Aicardi-Goutieres syndrome 2 and no experimental evidence demonstrating its impact on protein function have been reported. ClinVar contains an entry for this variant (Variation ID: 952190). Based on the evidence outlined above, the variant was classified as uncertain significance.

Labcorp Genetics (formerly Invitae), Labcorp
Classification: Uncertain significance for Aicardi-Goutieres syndrome 2. Last evaluated: 2024-12-18. Review status: criteria provided, single submitter. Criteria: Invitae Variant Classification Sherloc (09022015). Collection method: clinical testing. Allele origin: germline.
Comment: This sequence change replaces arginine, which is basic and polar, with glutamine, which is neutral and polar, at codon 14 of the RNASEH2B protein (p.Arg14Gln). The frequency data for this variant in the population databases is considered unreliable, as metrics indicate poor data quality at this position in the gnomAD database. This variant has not been reported in the literature in individuals affected with RNASEH2B-related conditions. ClinVar contains an entry for this variant (Variation ID: 952190). Invitae Evidence Modeling of protein sequence and biophysical properties (such as structural, functional, and spatial information, amino acid conservation, physicochemical variation, residue mobility, and thermodynamic stability) has been performed for this missense variant. However, the output from this modeling did not meet the statistical confidence thresholds required to predict the impact of this variant on RNASEH2B protein function. In summary, the available evidence is currently insufficient to determine the role of this variant in disease. Therefore, it has been classified as a Variant of Uncertain Significance.

CeGaT Center for Human Genetics Tuebingen
Classification: Uncertain significance. Last evaluated: 2024-08-01. Review status: criteria provided, single submitter. Criteria: CeGaT Center For Human Genetics Tuebingen Variant Classification Criteria Version 2. Collection method: clinical testing. Allele origin: germline. Affected: yes. Observed: 1 variant allele.
Comment: RNASEH2B: PM2

Ambry Genetics
Classification: Uncertain significance for Inborn genetic diseases. Last evaluated: 2024-01-09. Review status: criteria provided, single submitter. Criteria: Ambry Variant Classification Scheme 2023. Collection method: clinical testing. Allele origin: germline.